The following is an entry in ClinVar:

NM_005751.5(AKAP9):c.8081T>G (p.Leu2694Arg)

Gene: AKAP9 (A-kinase anchoring protein 9; plus strand). Cytogenetic location: 7q21.2.
Variant type: single nucleotide variant.
Coding change: c.8081T>G on transcript NM_005751.5 (MANE Select); coding-DNA position 8081, T replaced by G.
Protein change: p.Leu2694Arg; replaces leucine 2694 with arginine.
Molecular consequence: missense variant.
Genome position (GRCh38, 1-based): chr7:92,082,583, T>G. VCF-style: chr7-92082583-T-G. GRCh37 (hg19) VCF-style: chr7-91711897-T-G.
Other names: c.2726T>G, p.Leu909Arg (NM_001379277.1); c.8057T>G, p.Leu2686Arg (NM_147185.3); short protein forms L2694R, L2686R, L909R.
Identifiers: ClinVar variation 3517268 (VCV003517268.1).

ClinVar aggregate classification (germline): Uncertain significance (1 of 4 stars; one submission).

Conditions:
Cardiovascular phenotype. Identifiers: MedGen CN230736.

Submission:

Ambry Genetics
Classification: Uncertain significance for Cardiovascular phenotype. Last evaluated: 2024-11-17. Review status: criteria provided, single submitter. Criteria: Ambry Variant Classification Scheme 2023. Collection method: clinical testing. Allele origin: germline.
Comment: The p.L2694R variant (also known as c.8081T>G), located in coding exon 32 of the AKAP9 gene, results from a T to G substitution at nucleotide position 8081. The leucine at codon 2694 is replaced by arginine, an amino acid with dissimilar properties. This amino acid position is conserved. In addition, this alteration is predicted to be tolerated by in silico analysis. Based on the available evidence, the clinical significance of this variant remains unclear.